The following is an entry in ClinVar:

NM_000268.4(NF2):c.318A>C (p.Glu106Asp)

Gene: NF2 (NF2, moesin-ezrin-radixin like (MERLIN) tumor suppressor; plus strand). Cytogenetic location: 22q12.2.
Variant type: single nucleotide variant.
Coding change: c.318A>C on transcript NM_000268.4 (MANE Select); coding-DNA position 318, A replaced by C.
Protein change: p.Glu106Asp; replaces glutamic acid 106 with aspartic acid.
Molecular consequence: missense variant. On other transcripts: 5 prime UTR variant (1), intron variant (8).
Genome position (GRCh38, 1-based): chr22:29,639,167, A>C. VCF-style: chr22-29639167-A-C. GRCh37 (hg19) VCF-style: chr22-30035156-A-C.
Other names: c.318A>C, p.Glu106Asp (NM_001407057.1, NM_001407059.1, NM_001407060.1 and 5 more transcripts); c.-323A>C (NM_001407065.1); c.87A>C, p.Glu29Asp (NM_001407067.1); c.192A>C, p.Glu64Asp (NM_181828.3, NM_001407055.1); c.204A>C, p.Glu68Asp (NM_001407053.1, NM_001407056.1); c.240+2291A>C (NM_001407058.1, NM_181829.3, NM_001407054.1 and 1 more transcripts); c.115-3035A>C (NM_001407063.1, NM_181830.3, NM_001407064.1 and 1 more transcripts); short protein forms E29D, E68D, E106D, E64D.
Identifiers: ClinVar variation 4661690 (VCV004661690.2).

ClinVar aggregate classification (germline): Uncertain significance. Review status: criteria provided, multiple submitters, no conflicts (2 of 4 stars). 2 submissions from 2 submitters: Uncertain significance (2). Last evaluated 2025-12-13.

Conditions:
Neurofibromatosis, type 2 (SWNV). Also called: BILATERAL ACOUSTIC NEUROFIBROMATOSIS; NF2-Related Schwannomatosis; SCHWANNOMATOSIS, VESTIBULAR. Identifiers: Orphanet 637, MedGen C0027832, MONDO:0007039, OMIM 101000. Disease mechanism: loss of function.
Hereditary cancer-predisposing syndrome. Also called: Hereditary Cancer Syndrome; Hereditary neoplastic syndrome; Neoplastic Syndromes, Hereditary; Tumor predisposition. Identifiers: Orphanet 140162, MedGen C0027672, MeSH D009386, MONDO:0015356.

Submissions (2):

Ambry Genetics
Classification: Uncertain significance for Hereditary cancer-predisposing syndrome. Last evaluated: 2025-12-13. Review status: criteria provided, single submitter. Criteria: Ambry Variant Classification Scheme 2023. Collection method: clinical testing. Allele origin: germline.
Comment: The p.E106D variant (also known as c.318A>C), located in coding exon 3 of the NF2 gene, results from an A to C substitution at nucleotide position 318. The glutamic acid at codon 106 is replaced by aspartic acid, an amino acid with highly similar properties. This amino acid position is conserved. In addition, this alteration is predicted to be tolerated by in silico analysis. Based on the available evidence, the clinical significance of this variant remains unclear.

Labcorp Genetics (formerly Invitae), Labcorp
Classification: Uncertain significance for Neurofibromatosis, type 2. Last evaluated: 2025-10-13. Review status: criteria provided, single submitter. Criteria: Invitae Variant Classification Sherloc (09022015). Collection method: clinical testing. Allele origin: germline.
Comment: This sequence change replaces glutamic acid, which is acidic and polar, with aspartic acid, which is acidic and polar, at codon 106 of the NF2 protein (p.Glu106Asp). This variant is not present in population databases (gnomAD no frequency). This variant has not been reported in the literature in individuals affected with NF2-related conditions. Invitae Evidence Modeling of protein sequence and biophysical properties (such as structural, functional, and spatial information, amino acid conservation, physicochemical variation, residue mobility, and thermodynamic stability) indicates that this missense variant is not expected to disrupt NF2 protein function with a negative predictive value of 80%. In summary, the available evidence is currently insufficient to determine the role of this variant in disease. Therefore, it has been classified as a Variant of Uncertain Significance.